The following is an entry in ClinVar:

ClinVar aggregate classification (germline): Uncertain significance (1 of 4 stars; one submission).

Conditions:
Epileptic encephalopathy. Identifiers: MedGen C0543888, HP:0200134.

Allele frequency attached by ClinVar (database versions not stated): gnomAD 0.00001; TOPMed 0.00003.
gnomAD v4.1: 53 of 1,598,138 alleles (0.0033%); highest among the groups gnomAD compares: South Asian, 0.015%; no homozygotes.

Submission:

Labcorp Genetics (formerly Invitae), Labcorp
Classification: Uncertain significance for Epileptic encephalopathy. Last evaluated: 2021-08-26. Review status: criteria provided, single submitter. Criteria: Invitae Variant Classification Sherloc (09022015). Collection method: clinical testing. Allele origin: germline.
Comment: This sequence change falls in intron 21 of the RYR3 gene. It does not directly change the encoded amino acid sequence of the RYR3 protein. It affects a nucleotide within the consensus splice site of the intron. This variant is present in population databases (rs774928735, ExAC 0.02%). This variant has not been reported in the literature in individuals affected with RYR3-related conditions. Variants that disrupt the consensus splice site are a relatively common cause of aberrant splicing (PMID: 17576681, 9536098). Algorithms developed to predict the effect of sequence changes on RNA splicing suggest that this variant may disrupt the consensus splice site. In summary, the available evidence is currently insufficient to determine the role of this variant in disease. Therefore, it has been classified as a Variant of Uncertain Significance.

Literature cited by the submitters: PubMed 17576681; PubMed 9536098.

NM_001036.6(RYR3):c.2679+3A>G

Gene: RYR3 (ryanodine receptor 3; plus strand). Cytogenetic location: 15q14.
Variant type: single nucleotide variant.
Coding change: c.2679+3A>G on transcript NM_001036.6 (MANE Select); 3 bases into the intron after coding-DNA position 2679, A replaced by G.
Molecular consequence: intron variant.
Genome position (GRCh38, 1-based): chr15:33,628,578, A>G. VCF-style: chr15-33628578-A-G. GRCh37 (hg19) VCF-style: chr15-33920779-A-G.
Other names: c.2679+3A>G (NM_001243996.4).
Identifiers: ClinVar variation 578528 (VCV000578528.7), dbSNP rs774928735, ClinGen allele CA7458499.